The following is an entry in ClinVar:

ClinVar aggregate classification (germline): Pathogenic (1 of 4 stars; one submission).

Conditions:
Autosomal recessive nonsyndromic hearing loss 12. Also called: DEAFNESS, AUTOSOMAL RECESSIVE 12. Identifiers: Orphanet 90636, MedGen C1832394, MONDO:0011067, OMIM 601386.

Submission:

Institute of Rare Diseases, West China Hospital, Sichuan University
Classification: Pathogenic for Autosomal recessive nonsyndromic hearing loss 12. Last evaluated: 2025-01-09. Review status: criteria provided, single submitter. Criteria: ClinGen HL ACMG Specifications v1. Collection method: research. Allele origin: germline. Affected: yes.
Comment: PVS1;PM3;PM2_Supporting

NM_022124.6(CDH23):c.5068-1G>A

Gene: CDH23 (cadherin related 23; plus strand). Cytogenetic location: 10q22.1.
Variant type: single nucleotide variant.
Coding change: c.5068-1G>A on transcript NM_022124.6 (MANE Select); the canonical splice acceptor site of the intron before coding-DNA position 5068, G replaced by A.
Molecular consequence: splice acceptor variant.
Genome position (GRCh38, 1-based): chr10:71,778,188, G>A. VCF-style: chr10-71778188-G-A. GRCh37 (hg19) VCF-style: chr10-73537945-G-A.
Identifiers: ClinVar variation 3601402 (VCV003601402.1).